The following is an entry in ClinVar:

ClinVar aggregate classification (germline): Uncertain significance. Review status: criteria provided, multiple submitters, no conflicts (2 of 4 stars). 2 submissions from 2 submitters: Uncertain significance (2). Last evaluated 2025-10-29.

gnomAD v4.1: 4 of 1,601,654 alleles (0.00025%); highest among the groups gnomAD compares: South Asian, 0.0023%; no homozygotes.

Submissions (2):

Labcorp Genetics (formerly Invitae), Labcorp
Classification: Uncertain significance. Last evaluated: 2025-10-29. Review status: criteria provided, single submitter. Criteria: Invitae Variant Classification Sherloc (09022015). Collection method: clinical testing. Allele origin: germline.
Comment: This sequence change replaces serine, which is neutral and polar, with cysteine, which is neutral and slightly polar, at codon 196 of the PSMG2 protein (p.Ser196Cys). This variant is not present in population databases (gnomAD no frequency). This variant has not been reported in the literature in individuals affected with PSMG2-related conditions. ClinVar contains an entry for this variant (Variation ID: 3939788). An algorithm developed to predict the effect of missense changes on protein structure and function outputs the following: PolyPhen-2: "Benign". The cysteine amino acid residue is found in multiple mammalian species, which suggests that this missense change does not adversely affect protein function. In summary, the available evidence is currently insufficient to determine the role of this variant in disease. Therefore, it has been classified as a Variant of Uncertain Significance.

Ambry Genetics
Classification: Uncertain significance. Last evaluated: 2025-03-16. Review status: criteria provided, single submitter. Criteria: Ambry Variant Classification Scheme 2023. Collection method: clinical testing. Allele origin: germline.

NM_020232.5(PSMG2):c.587C>G (p.Ser196Cys)

Gene: PSMG2 (proteasome assembly chaperone 2; plus strand). Cytogenetic location: 18p11.21.
Variant type: single nucleotide variant.
Coding change: c.587C>G on transcript NM_020232.5 (MANE Select); coding-DNA position 587, C replaced by G.
Protein change: p.Ser196Cys; replaces serine 196 with cysteine.
Molecular consequence: missense variant.
Genome position (GRCh38, 1-based): chr18:12,724,504, C>G. VCF-style: chr18-12724504-C-G. GRCh37 (hg19) VCF-style: chr18-12724503-C-G.
Other names: c.494C>G, p.Ser165Cys (NM_147163.2); short protein forms S196C, S165C.
Identifiers: ClinVar variation 3939788 (VCV003939788.2).